The following is an entry in ClinVar:

NM_014516.4(CNOT3):c.913T>C (p.Ser305Pro)

Gene: CNOT3 (CCR4-NOT transcription complex subunit 3; plus strand). Cytogenetic location: 19q13.42.
Variant type: single nucleotide variant.
Coding change: c.913T>C on transcript NM_014516.4 (MANE Select); coding-DNA position 913, T replaced by C.
Protein change: p.Ser305Pro; replaces serine 305 with proline.
Molecular consequence: missense variant. On other transcripts: non-coding transcript variant (2).
Genome position (GRCh38, 1-based): chr19:54,148,166, T>C. VCF-style: chr19-54148166-T-C. GRCh37 (hg19) VCF-style: chr19-54651901-T-C.
Other names: c.916T>C, p.Ser306Pro (NM_001440653.1, NM_001440655.1, NM_001440657.1 and 3 more transcripts); c.913T>C, p.Ser305Pro (NM_001440654.1, NM_001440656.1, NM_001440658.1 and 1 more transcripts); c.370T>C, p.Ser124Pro (NM_001440659.1, NM_001440660.1); short protein forms S124P, S305P, S306P.
Identifiers: ClinVar variation 4077237 (VCV004077237.1).

ClinVar aggregate classification (germline): Uncertain significance (1 of 4 stars; one submission).

Submission:

GeneDx
Classification: Uncertain significance. Last evaluated: 2025-02-26. Review status: criteria provided, single submitter. Criteria: GeneDx Variant Classification Process June 2021. Collection method: clinical testing. Allele origin: germline. Affected: yes.
Comment: Not observed at significant frequency in large population cohorts (gnomAD); In silico analysis indicates that this missense variant does not alter protein structure/function; Has not been previously published as pathogenic or benign to our knowledge